The following is an entry in ClinVar:

ClinVar aggregate classification (germline): Uncertain significance (1 of 4 stars; one submission).

Conditions:
Cardiovascular phenotype. Identifiers: MedGen CN230736.

Allele frequency attached by ClinVar (database versions not stated): 1000 Genomes Project 30x 0.00031; gnomAD 0.00001; gnomAD exomes 0.00001; TOPMed 0.00001; ExAC 0.00002.
gnomAD v4.1: 10 of 1,594,076 alleles (0.00063%); highest among the groups gnomAD compares: Non-Finnish European, 0.00085%; no homozygotes.

Submission:

Ambry Genetics
Classification: Uncertain significance for Cardiovascular phenotype. Last evaluated: 2020-10-13. Review status: criteria provided, single submitter. Criteria: Ambry Variant Classification Scheme 2023. Collection method: clinical testing. Allele origin: germline.
Comment: The p.G431S variant (also known as c.1291G>A), located in coding exon 2 of the TNXB gene, results from a G to A substitution at nucleotide position 1291. The glycine at codon 431 is replaced by serine, an amino acid with similar properties. This amino acid position is not well conserved in available vertebrate species, and serine is the reference amino acid in other vertebrate species. In addition, this alteration is predicted to be tolerated by in silico analysis. Since supporting evidence is limited at this time, the clinical significance of this alteration remains unclear.

NM_001365276.2(TNXB):c.1291G>A (p.Gly431Ser)

Gene: TNXB (tenascin XB; minus strand). Cytogenetic location: 6p21.33.
Variant type: single nucleotide variant.
Coding change: c.1291G>A on transcript NM_001365276.2 (MANE Select); coding-DNA position 1291, G replaced by A.
Protein change: p.Gly431Ser; replaces glycine 431 with serine.
Molecular consequence: missense variant.
Genome position (GRCh38, 1-based): chr6:32,096,562, C>T on the plus strand (G>A on the coding strand, the complement: TNXB is on the minus strand). VCF-style: chr6-32096562-C-T. GRCh37 (hg19) VCF-style: chr6-32064339-C-T.
Other names: c.1291G>A, p.Gly431Ser (NM_019105.8); short protein forms G431S.
Identifiers: ClinVar variation 1769116 (VCV001769116.2), dbSNP rs766185519, ClinGen allele CA3735702.
Genomic context (GRCh38, chr6:32,096,562, plus strand): 5'-CACACACGCCGTTCTCGCAGCGCCCGCGACCTCTACAGTCGCGTGGGCAGGCGCGCGAGC[C>T]GCAATCGGTTCCAGTGTACCCCGGCCAGCACACGCAGCGGCCGTCCTCGCAGCGGCCCCT-3'
Protein context (NP_001352205.1, residues 421-441): CWPGYTGTDC[Gly431Ser]SRACPRDCRG